The following is an entry in ClinVar:

NM_001164508.2(NEB):c.19314+1G>A

Gene: NEB (nebulin; minus strand). Cytogenetic location: 2q23.3.
Variant type: single nucleotide variant.
Coding change: c.19314+1G>A on transcript NM_001164508.2 (MANE Select); the canonical splice donor site of the intron after coding-DNA position 19314, G replaced by A.
Molecular consequence: splice donor variant.
Genome position (GRCh38, 1-based): chr2:151,560,591, C>T on the plus strand (G>A on the coding strand, the complement: NEB is on the minus strand). VCF-style: chr2-151560591-C-T. GRCh37 (hg19) VCF-style: chr2-152417105-C-T.
Other names: c.14211+1G>A (NM_004543.5); c.19314+1G>A (NM_001164507.2, NM_001271208.2).
Identifiers: ClinVar variation 3672736 (VCV003672736.2).
Genomic context (GRCh38, chr2:151,560,591, plus strand): 5'-GAGTGGAGAGCAGGGGAGGGGAGGGAGGGTGGGAAAGCTGTCATGTTTTTGCTTTACTTA[C>T]ATGGCTGGCCAGATGCTTCTGGTTCTTGGCGTGTGTCAGGGACAAGGTGCTGGAAGGCAG-3'

ClinVar aggregate classification (germline): Likely pathogenic (1 of 4 stars; one submission).

Conditions:
Nemaline myopathy 2 (NEM2). Also called: Nemaline myopathy 2, autosomal recessive. Identifiers: MedGen C1850569, MONDO:0009725, OMIM 256030.

Submission:

Labcorp Genetics (formerly Invitae), Labcorp
Classification: Likely pathogenic for Nemaline myopathy 2. Last evaluated: 2024-01-25. Review status: criteria provided, single submitter. Criteria: Invitae Variant Classification Sherloc (09022015). Collection method: clinical testing. Allele origin: germline.
Comment: This sequence change affects a donor splice site in intron 124 of the NEB gene. It is expected to disrupt RNA splicing. Variants that disrupt the donor or acceptor splice site typically lead to a loss of protein function (PMID: 16199547), and loss-of-function variants in NEB are known to be pathogenic (PMID: 25205138). This variant is not present in population databases (gnomAD no frequency). This variant has not been reported in the literature in individuals affected with NEB-related conditions. Algorithms developed to predict the effect of sequence changes on RNA splicing suggest that this variant may disrupt the consensus splice site. In summary, the currently available evidence indicates that the variant is pathogenic, but additional data are needed to prove that conclusively. Therefore, this variant has been classified as Likely Pathogenic.

Literature cited by the submitters: PubMed 16199547; PubMed 25205138.